The following is an entry in ClinVar:

ClinVar aggregate classification (germline): Likely benign. Review status: criteria provided, multiple submitters, no conflicts (2 of 4 stars). 2 submissions from 2 submitters: Likely benign (2). Last evaluated 2026-01-28.

Conditions:
Neuronal ceroid lipofuscinosis. Also called: Neuronal Ceroid Lipofuscinoses. Identifiers: Orphanet 216, Orphanet 79263, MedGen C0027877, MONDO:0016295. Disease mechanism: loss of function.

Allele frequency attached by ClinVar (database versions not stated): TOPMed 0.00002; gnomAD 0.00006.
gnomAD v4.1: 69 of 1,612,802 alleles (0.0043%); highest among the groups gnomAD compares: East Asian, 0.0089%; no homozygotes.

Submissions (2):

Labcorp Genetics (formerly Invitae), Labcorp
Classification: Likely benign for Neuronal ceroid lipofuscinosis. Last evaluated: 2026-01-28. Review status: criteria provided, single submitter. Criteria: Invitae Variant Classification Sherloc (09022015). Collection method: clinical testing. Allele origin: germline.

GeneDx
Classification: Likely benign. Last evaluated: 2017-10-17. Review status: criteria provided, single submitter. Criteria: GeneDx Variant Classification (06012015). Collection method: clinical testing. Allele origin: germline. Affected: yes.
Comment: This variant is considered likely benign or benign based on one or more of the following criteria: it is a conservative change, it occurs at a poorly conserved position in the protein, it is predicted to be benign by multiple in silico algorithms, and/or has population frequency not consistent with disease.

NM_017882.3(CLN6):c.213C>T (p.Leu71=)

Gene: CLN6 (CLN6 transmembrane ER protein; minus strand). Cytogenetic location: 15q23.
Variant type: single nucleotide variant.
Coding change: c.213C>T on transcript NM_017882.3 (MANE Select); coding-DNA position 213, C replaced by T.
Protein change: p.Leu71=; no amino-acid change (leucine 71 retained).
Molecular consequence: synonymous variant.
Genome position (GRCh38, 1-based): chr15:68,214,374, G>A on the plus strand (C>T on the coding strand, the complement: CLN6 is on the minus strand). VCF-style: chr15-68214374-G-A. GRCh37 (hg19) VCF-style: chr15-68506712-G-A.
Identifiers: ClinVar variation 457970 (VCV000457970.11), dbSNP rs146980624, ClinGen allele CA272387732.